The following is an entry in ClinVar:

ClinVar aggregate classification (germline): Uncertain significance (1 of 4 stars; one submission).

Submission:

Geisinger Autism and Developmental Medicine Institute, Geisinger Health System
Classification: Uncertain significance. Last evaluated: 2018-03-19. Review status: criteria provided, single submitter. Criteria: ACMG CNV Guidelines, 2011. Collection method: provider interpretation. Allele origin: maternal.
Comment: The duplication includes only the NDP gene. Loss of function of the NDP is associated with Norrie disease and exudative vitreoretinopathy, features of which include blindness in infancy, progressive hearing loss, developmental delays, intellectual disability, and psychosis. Females may rarely have some clinical manifestations. The impact of duplications of the NDP gene are unclear. This region is not known to vary in the general population.

Single allele

Gene: NDP (norrin cystine knot growth factor NDP; minus strand). Cytogenetic location: Xp11.3.
Variant type: Duplication.
Identifiers: ClinVar variation 560102 (VCV000560102.3).